The following is an entry in ClinVar:

NM_006295.3(VARS1):c.2653C>T (p.Leu885Phe)

Gene: VARS1 (valyl-tRNA synthetase 1; minus strand). Cytogenetic location: 6p21.33.
Variant type: single nucleotide variant.
Coding change: c.2653C>T on transcript NM_006295.3 (MANE Select); coding-DNA position 2653, C replaced by T.
Protein change: p.Leu885Phe; replaces leucine 885 with phenylalanine.
Molecular consequence: missense variant.
Genome position (GRCh38, 1-based): chr6:31,780,935, G>A on the plus strand (C>T on the coding strand, the complement: VARS1 is on the minus strand). VCF-style: chr6-31780935-G-A. GRCh37 (hg19) VCF-style: chr6-31748712-G-A.
Other names: NM_006295.3(VARS1):c.2653C>T; p.Leu885Phe; short protein forms L885F.
Identifiers: ClinVar variation 402133 (VCV000402133.5), dbSNP rs1060499734, ClinGen allele CA16609513.

ClinVar aggregate classification (germline): Conflicting classifications of pathogenicity. Review status: criteria provided, conflicting classifications (1 of 4 stars). 3 submissions from 3 submitters: Likely pathogenic (1); Uncertain significance (1). 1 of the submissions does not count toward it. Last evaluated 2024-05-20.

Conditions:
Abnormal brain morphology. Also called: Abnormality of brain morphology. Identifiers: MedGen C4021085, HP:0012443.
Neurodevelopmental disorder with microcephaly, seizures, and cortical atrophy. Identifiers: MedGen C4540493, MONDO:0060621, OMIM 617802.

Allele frequency attached by ClinVar (database versions not stated): gnomAD exomes below 0.00001.
gnomAD v4.1: 1 of 1,614,138 alleles (0.000062%); highest among the groups gnomAD compares: Middle Eastern, 0.016%; no homozygotes.

Submissions (3):

Broad Center for Mendelian Genomics, Broad Institute of MIT and Harvard
Classification: Uncertain significance for Neurodevelopmental disorder with microcephaly, seizures, and cortical atrophy. Last evaluated: 2024-05-20. Review status: criteria provided, single submitter. Criteria: ACMG Guidelines, 2015. Collection method: curation. Allele origin: germline. Inheritance: Autosomal recessive inheritance.
Comment: The homozygous p.Leu885Phe variant in VARS1 was identified by our study in two siblings with neurodevelopmental disorder with microcephaly, seizures, and cortical atrophy. This variant has also been reported in two individuals with neurodevelopmental disorder with microcephaly, seizures, and cortical atrophy (PMIDs: 26539891, 30755616), and has been identified in 0.02% (1/4148) of Middle Eastern chromosomes by the Genome Aggregation Database (gnomAD; dbSNP (rs1060499734)). Data from large population studies is insufficient to assess the frequency of this variant. Of the 2 affected individuals, both of those were homozygotes, which increases the likelihood that the p.Leu885Phe variant is pathogenic (PMIDs: 26539891, 30755616). This variant has been reported in ClinVar (Variation ID: 402133) and has been interpreted as likely pathogenic by Baylor-Hopkins CMG and pathogenic by OMIM. Computational prediction tools and conservation analyses do not provide strong support for or against an impact to the protein. The number of missense variants reported in VARS1 in the general population is lower than expected, suggesting there is little benign variation in this gene and slightly increasing the possibility that a missense variant in this gene may not be tolerated. In summary, the clinical significance of the p.Leu885Phe variant is uncertain. ACMG/AMP Criteria applied: PM2_Supporting, PM3, PP2 (Richards 2015).

Lupski Lab, Baylor-Hopkins CMG, Baylor College of Medicine
Classification: Likely pathogenic for Abnormal brain morphology. Review status: criteria provided, single submitter. Criteria: Karaca et al. (Neuron 2015). Collection method: research. Allele origin: inherited. Inheritance: Autosomal recessive inheritance. Affected: yes.
Comment: There is one more families with similar phenotype

OMIM
Classification: Pathogenic for NEURODEVELOPMENTAL DISORDER WITH MICROCEPHALY, SEIZURES, AND CORTICAL ATROPHY. Last evaluated: 2019-08-20. Review status: no assertion criteria provided. Collection method: literature only. Allele origin: germline. Not counted in ClinVar's aggregate classification.

Literature cited by the submitters: Karaca, E. Personal Communication. 2017. Houston, Texas (cited by OMIM); PubMed 26539891 (cited by OMIM); PubMed 30755616 (cited by OMIM).